The following is an entry in ClinVar:

NM_002528.7(NTHL1):c.880A>C (p.Asn294His)

Gene: NTHL1 (nth like DNA glycosylase 1; minus strand). Cytogenetic location: 16p13.3.
Variant type: single nucleotide variant.
Coding change: c.880A>C on transcript NM_002528.7 (MANE Select); coding-DNA position 880, A replaced by C.
Protein change: p.Asn294His; replaces asparagine 294 with histidine.
Molecular consequence: missense variant.
Genome position (GRCh38, 1-based): chr16:2,039,959, T>G on the plus strand (A>C on the coding strand, the complement: NTHL1 is on the minus strand). VCF-style: chr16-2039959-T-G. GRCh37 (hg19) VCF-style: chr16-2089960-T-G.
Other names: c.709A>C, p.Asn237His (NM_001318193.2); c.550A>C, p.Asn184His (NM_001318194.2); short protein forms N184H, N237H, N294H.
Identifiers: ClinVar variation 3301272 (VCV003301272.1).

ClinVar aggregate classification (germline): Uncertain significance (1 of 4 stars; one submission).

Conditions:
Hereditary cancer-predisposing syndrome. Also called: Tumor predisposition; Hereditary Cancer Syndrome; Hereditary neoplastic syndrome; Neoplastic Syndromes, Hereditary. Identifiers: Orphanet 140162, MedGen C0027672, MeSH D009386, MONDO:0015356.

Submission:

Ambry Genetics
Classification: Uncertain significance for Hereditary cancer-predisposing syndrome. Last evaluated: 2024-06-17. Review status: criteria provided, single submitter. Criteria: Ambry Variant Classification Scheme 2023. Collection method: clinical testing. Allele origin: germline.
Comment: The p.N302H variant (also known as c.904A>C), located in coding exon 6 of the NTHL1 gene, results from an A to C substitution at nucleotide position 904. The asparagine at codon 302 is replaced by histidine, an amino acid with similar properties. This amino acid position is conserved. In addition, the in silico prediction for this alteration is inconclusive. Based on the available evidence, the clinical significance of this variant remains unclear.